The following is an entry in ClinVar:

NM_022552.5(DNMT3A):c.1523T>C (p.Leu508Pro)

Gene: DNMT3A (DNA methyltransferase 3 alpha; minus strand). Cytogenetic location: 2p23.3.
Variant type: single nucleotide variant.
Coding change: c.1523T>C on transcript NM_022552.5 (MANE Select); coding-DNA position 1523, T replaced by C.
Protein change: p.Leu508Pro; replaces leucine 508 with proline.
Molecular consequence: missense variant. On other transcripts: non-coding transcript variant (1).
Genome position (GRCh38, 1-based): chr2:25,245,284, A>G on the plus strand (T>C on the coding strand, the complement: DNMT3A is on the minus strand). VCF-style: chr2-25245284-A-G. GRCh37 (hg19) VCF-style: chr2-25468153-A-G.
Other names: c.1067T>C, p.Leu356Pro (NM_001320893.1); c.854T>C, p.Leu285Pro (NM_001375819.1); c.956T>C, p.Leu319Pro (NM_153759.3); c.1523T>C, p.Leu508Pro (NM_175629.2); short protein forms L285P, L356P, L319P, L508P.
Identifiers: ClinVar variation 2907310 (VCV002907310.4), dbSNP rs1056677010, ClinGen allele CA43704269.
Genomic context (GRCh38, chr2:25,245,284, plus strand): 5'-GCACCTCTCCTGGGTGGGTGTGCTCCTACCTTGCAGTTTTGGCACATTCCTCCAACGAAG[A>G]GGGGGTGTTCCAGGGTAACATTGAGGCTCCCACAGGAGATGCAGATGTCTGGAAAGCAGA-3'
Protein context (NP_072046.2, residues 498-518): GSLNVTLEHP[Leu508Pro]FVGGMCQNCK

ClinVar aggregate classification (germline): Pathogenic/Likely pathogenic. Review status: criteria provided, multiple submitters, no conflicts (2 of 4 stars). 2 submissions from 2 submitters: Pathogenic (1); Likely pathogenic (1). Last evaluated 2026-08-06.

Conditions:
Paediatric disorders.
Tatton-Brown-Rahman overgrowth syndrome. Also called: Tall stature-intellectual disability-facial dysmorphism syndrome; Tatton-Brown-Rahman syndrome. Identifiers: Orphanet 404443, MedGen C4014545, MONDO:0014382, OMIM 615879.

Allele frequency attached by ClinVar (database versions not stated): gnomAD exomes below 0.00001.
gnomAD v4.1: 1 of 1,613,868 alleles (0.000062%); highest among the groups gnomAD compares: Admixed American, 0.0017%; no homozygotes.

Submissions (2):

NHS Central & South Genomic Laboratory Hub
Classification: Pathogenic for Paediatric disorders. Last evaluated: 2026-08-06. Review status: criteria provided, single submitter. Criteria: ACMG Guidelines, 2015. Collection method: clinical testing. Allele origin: germline. Affected: yes.

Labcorp Genetics (formerly Invitae), Labcorp
Classification: Likely pathogenic for Tatton-Brown-Rahman overgrowth syndrome. Last evaluated: 2024-07-08. Review status: criteria provided, single submitter. Criteria: Invitae Variant Classification Sherloc (09022015). Collection method: clinical testing. Allele origin: germline.
Comment: This sequence change replaces leucine, which is neutral and non-polar, with proline, which is neutral and non-polar, at codon 508 of the DNMT3A protein (p.Leu508Pro). This variant is not present in population databases (gnomAD no frequency). This missense change has been observed in individual(s) with autism spectrum disorder and/or clinical features of Tatton-Brown-Rahman syndrome (PMID: 29900417, 31981491, 35982159). In at least one individual the variant was observed to be de novo. Advanced modeling of protein sequence and biophysical properties (such as structural, functional, and spatial information, amino acid conservation, physicochemical variation, residue mobility, and thermodynamic stability) performed at Invitae indicates that this missense variant is expected to disrupt DNMT3A protein function with a positive predictive value of 80%. In summary, the currently available evidence indicates that the variant is pathogenic, but additional data are needed to prove that conclusively. Therefore, this variant has been classified as Likely Pathogenic.

Literature cited by the submitters: PubMed 29900417 (cited by Labcorp Genetics (formerly Invitae), Labcorp); PubMed 31981491 (cited by Labcorp Genetics (formerly Invitae), Labcorp); PubMed 35982159 (cited by Labcorp Genetics (formerly Invitae), Labcorp).